The following is an entry in ClinVar:

ClinVar aggregate classification (germline): Uncertain significance. Review status: criteria provided, multiple submitters, no conflicts (2 of 4 stars). 3 submissions from 3 submitters: Uncertain significance (3). Last evaluated 2025-10-02.

Conditions:
Inborn genetic diseases. Identifiers: MedGen C0950123, MeSH D030342.
Desbuquois dysplasia 1 (DBQD1). Also called: MICROMELIC DWARFISM WITH VERTEBRAL AND METAPHYSEAL ABNORMALITIES AND ADVANCED CARPOTARSAL OSSIFICATION; DESBUQUOIS DYSPLASIA 1, KIM VARIANT. Identifiers: Orphanet 1425, MedGen C4012146, MONDO:0009629, OMIM 251450.

Allele frequency attached by ClinVar (database versions not stated): gnomAD exomes 0.00008; gnomAD 0.00009; TOPMed 0.00009.
gnomAD v4.1: 102 of 1,229,586 alleles (0.0083%); highest among the groups gnomAD compares: Non-Finnish European, 0.0099%; no homozygotes.

Submissions (3):

Ambry Genetics
Classification: Uncertain significance for Inborn genetic diseases. Last evaluated: 2025-10-02. Review status: criteria provided, single submitter. Criteria: Ambry Variant Classification Scheme 2023. Collection method: clinical testing. Allele origin: germline.

CeGaT Center for Human Genetics Tuebingen
Classification: Uncertain significance. Last evaluated: 2025-09-01. Review status: criteria provided, single submitter. Criteria: CeGaT Center For Human Genetics Tuebingen Variant Classification Criteria Version 2. Collection method: clinical testing. Allele origin: germline. Affected: yes. Observed: 1 variant allele.
Comment: XYLT1: PM2

Labcorp Genetics (formerly Invitae), Labcorp
Classification: Uncertain significance for Desbuquois dysplasia 1. Last evaluated: 2022-07-29. Review status: criteria provided, single submitter. Criteria: Invitae Variant Classification Sherloc (09022015). Collection method: clinical testing. Allele origin: germline.
Comment: This sequence change replaces arginine, which is basic and polar, with proline, which is neutral and non-polar, at codon 96 of the XYLT1 protein (p.Arg96Pro). This variant is present in population databases (no rsID available, gnomAD 0.02%). This variant has not been reported in the literature in individuals affected with XYLT1-related conditions. ClinVar contains an entry for this variant (Variation ID: 1353795). Algorithms developed to predict the effect of missense changes on protein structure and function are either unavailable or do not agree on the potential impact of this missense change (SIFT: "Tolerated"; PolyPhen-2: "Not Available"; Align-GVGD: "Class C0"). In summary, the available evidence is currently insufficient to determine the role of this variant in disease. Therefore, it has been classified as a Variant of Uncertain Significance.

NM_022166.4(XYLT1):c.287G>C (p.Arg96Pro)

Gene: XYLT1 (xylosyltransferase 1; minus strand). Cytogenetic location: 16p12.3.
Variant type: single nucleotide variant.
Coding change: c.287G>C on transcript NM_022166.4 (MANE Select); coding-DNA position 287, G replaced by C.
Protein change: p.Arg96Pro; replaces arginine 96 with proline.
Molecular consequence: missense variant.
Genome position (GRCh38, 1-based): chr16:17,470,510, C>G on the plus strand (G>C on the coding strand, the complement: XYLT1 is on the minus strand). VCF-style: chr16-17470510-C-G. GRCh37 (hg19) VCF-style: chr16-17564367-C-G.
Other names: c.287G>C (NM_022166.3); short protein forms R96P.
Identifiers: ClinVar variation 1353795 (VCV001353795.11), dbSNP rs1037051580, ClinGen allele CA279106515.